The following is an entry in ClinVar:

ClinVar aggregate classification (germline): Uncertain significance (1 of 4 stars; one submission).

Conditions:
Developmental and epileptic encephalopathy, 37 (DEE37). Also called: Epileptic encephalopathy, early infantile, 37. Identifiers: MedGen C4310770, MONDO:0014859, OMIM 616981.

Allele frequency attached by ClinVar (database versions not stated): gnomAD exomes below 0.00001; ExAC 0.00001; 1000 Genomes Project 30x 0.00016; 1000 Genomes Project 0.00020.
gnomAD v4.1: 2 of 1,613,460 alleles (0.00012%); highest among the groups gnomAD compares: Non-Finnish European, 0.00017%; no homozygotes.

Submission:

Labcorp Genetics (formerly Invitae), Labcorp
Classification: Uncertain significance for Developmental and epileptic encephalopathy, 37. Last evaluated: 2018-10-20. Review status: criteria provided, single submitter. Criteria: Invitae Variant Classification Sherloc (09022015). Collection method: clinical testing. Allele origin: germline.
Comment: In summary, the available evidence is currently insufficient to determine the role of this variant in disease. Therefore, it has been classified as a Variant of Uncertain Significance. Algorithms developed to predict the effect of missense changes on protein structure and function are either unavailable or do not agree on the potential impact of this missense change (SIFT: "Deleterious"; PolyPhen-2: "Benign"; Align-GVGD: "Class C25"). This variant has not been reported in the literature in individuals with FRRS1L-related disease. This variant is present in population databases (rs201416713, ExAC 0.01%). This sequence change replaces isoleucine with valine at codon 313 of the FRRS1L protein (p.Ile313Val). The isoleucine residue is highly conserved and there is a small physicochemical difference between isoleucine and valine.

NM_014334.4(FRRS1L):c.784A>G (p.Ile262Val)

Gene: FRRS1L (ferric chelate reductase 1 like; minus strand). Cytogenetic location: 9q31.3.
Variant type: single nucleotide variant.
Coding change: c.784A>G on transcript NM_014334.4 (MANE Select); coding-DNA position 784, A replaced by G.
Protein change: p.Ile262Val; replaces isoleucine 262 with valine.
Molecular consequence: missense variant.
Genome position (GRCh38, 1-based): chr9:109,137,553, T>C on the plus strand (A>G on the coding strand, the complement: FRRS1L is on the minus strand). VCF-style: chr9-109137553-T-C. GRCh37 (hg19) VCF-style: chr9-111899833-T-C.
Other names: short protein forms I262V.
Identifiers: ClinVar variation 659738 (VCV000659738.9), dbSNP rs201416713, ClinGen allele CA5177313.
Genomic context (GRCh38, chr9:109,137,553, plus strand): 5'-CAATCAGAAGCAAACAAAATGGAGATGAGAAGGTTTGATAGGCAGCTGATGGCATAAAAA[T>C]GTCTTCATACTTGTAAATACTGACAACACGCTCTGAAGCCGGCGGTGAGTCTATATCATG-3'
Protein context (NP_055149.3, residues 252-272): RVVSIYKYED[Ile262Val]FMPSAAYQTF